The following is an entry in ClinVar:

ClinVar aggregate classification (germline): Conflicting classifications of pathogenicity. Review status: criteria provided, conflicting classifications (1 of 4 stars). 4 submissions from 4 submitters: Uncertain significance (2); Likely benign (2). Last evaluated 2026-03-01.

Conditions:
Inborn genetic diseases. Identifiers: MedGen C0950123, MeSH D030342.

Allele frequency attached by ClinVar (database versions not stated): 1000 Genomes Project 30x 0.00016; ExAC 0.00018; 1000 Genomes Project 0.00020; gnomAD exomes 0.00022; TOPMed 0.00030; gnomAD 0.00031; ESP Exome Variant Server 0.00038.
gnomAD v4.1: 370 of 1,614,232 alleles (0.023%); highest among the groups gnomAD compares: Non-Finnish European, 0.028%; no homozygotes.

Submissions (4):

CeGaT Center for Human Genetics Tuebingen
Classification: Likely benign. Last evaluated: 2026-03-01. Review status: criteria provided, single submitter. Criteria: CeGaT Center For Human Genetics Tuebingen Variant Classification Criteria Version 2. Collection method: clinical testing. Allele origin: germline. Affected: yes. Observed: 2 variant alleles.
Comment: SRRM2: BP4, BS2

Laboratory of Genetics, Children's Clinical University Hospital Latvia
Classification: Likely benign. Last evaluated: 2025-02-16. Review status: criteria provided, single submitter. Criteria: ACMG Guidelines, 2015. Collection method: clinical testing. Allele origin: germline. Affected: yes.

Labcorp Genetics (formerly Invitae), Labcorp
Classification: Uncertain significance. Last evaluated: 2023-03-22. Review status: criteria provided, single submitter. Criteria: Invitae Variant Classification Sherloc (09022015). Collection method: clinical testing. Allele origin: germline.
Comment: In summary, the available evidence is currently insufficient to determine the role of this variant in disease. Therefore, it has been classified as a Variant of Uncertain Significance. Algorithms developed to predict the effect of missense changes on protein structure and function output the following: SIFT: "Not Available"; PolyPhen-2: "Not Available"; Align-GVGD: "Not Available". The arginine amino acid residue is found in multiple mammalian species, which suggests that this missense change does not adversely affect protein function. ClinVar contains an entry for this variant (Variation ID: 2411519). This variant has not been reported in the literature in individuals affected with SRRM2-related conditions. This variant is present in population databases (rs142314036, gnomAD 0.04%), and has an allele count higher than expected for a pathogenic variant. This sequence change replaces lysine, which is basic and polar, with arginine, which is basic and polar, at codon 1372 of the SRRM2 protein (p.Lys1372Arg).

Ambry Genetics
Classification: Uncertain significance for Inborn genetic diseases. Last evaluated: 2022-12-05. Review status: criteria provided, single submitter. Criteria: Ambry Variant Classification Scheme 2023. Collection method: clinical testing. Allele origin: germline.

NM_016333.4(SRRM2):c.4115A>G (p.Lys1372Arg)

Gene: SRRM2 (serine/arginine repetitive matrix 2; plus strand). Cytogenetic location: 16p13.3.
Variant type: single nucleotide variant.
Coding change: c.4115A>G on transcript NM_016333.4 (MANE Select); coding-DNA position 4115, A replaced by G.
Protein change: p.Lys1372Arg; replaces lysine 1372 with arginine.
Molecular consequence: missense variant.
Genome position (GRCh38, 1-based): chr16:2,764,643, A>G. VCF-style: chr16-2764643-A-G. GRCh37 (hg19) VCF-style: chr16-2814644-A-G.
Other names: short protein forms K1372R.
Identifiers: ClinVar variation 2411519 (VCV002411519.19), dbSNP rs142314036, ClinGen allele CA7848089.
Genomic context (GRCh38, chr16:2,764,643, plus strand): 5'-AAGAAGATTTGAATGGACCGTTTCTTAATCAGCTGGAAACAGATCCATCTCTAGACATGA[A>G]AGAACAATCGACAAGATCCTCTGGACACAGCAGTTCTGAGTTATCCCCAGATGCAGTGGA-3'
Protein context (NP_057417.3, residues 1362-1382): QLETDPSLDM[Lys1372Arg]EQSTRSSGHS